The following is an entry in ClinVar:

ClinVar aggregate classification (germline): Uncertain significance (1 of 4 stars; one submission).

Conditions:
SIM1-related disorder. Also called: SIM1-related disorders; SIM1-related condition.

gnomAD v4.1: 1 of 1,614,088 alleles (0.000062%); highest among the groups gnomAD compares: African/African-American, 0.0013%; no homozygotes.

Submission:

PreventionGenetics, part of Exact Sciences
Classification: Uncertain significance for SIM1-related condition. Last evaluated: 2025-05-14. Review status: criteria provided, single submitter. Criteria: ACMG Guidelines, 2015. Collection method: clinical testing. Allele origin: germline.
Comment: The SIM1 c.1660T>C variant is predicted to result in the amino acid substitution p.Tyr554His. To our knowledge, this variant has not been reported in the literature or in a large population database (gnomAD), indicating this variant is rare. At this time, the clinical significance of this variant is uncertain due to the absence of conclusive functional and genetic evidence.

NM_005068.3(SIM1):c.1660T>C (p.Tyr554His)

Gene: SIM1 (SIM bHLH transcription factor 1; minus strand). Cytogenetic location: 6q16.3.
Variant type: single nucleotide variant.
Coding change: c.1660T>C on transcript NM_005068.3 (MANE Select); coding-DNA position 1660, T replaced by C.
Protein change: p.Tyr554His; replaces tyrosine 554 with histidine.
Molecular consequence: missense variant.
Genome position (GRCh38, 1-based): chr6:100,391,002, A>G on the plus strand (T>C on the coding strand, the complement: SIM1 is on the minus strand). VCF-style: chr6-100391002-A-G. GRCh37 (hg19) VCF-style: chr6-100838878-A-G.
Other names: c.1660T>C, p.Tyr554His (NM_001374769.1); short protein forms Y554H.
Identifiers: ClinVar variation 5001965 (VCV005001965.1).